The following is an entry in ClinVar:

NM_003482.4(KMT2D):c.14227C>T (p.Leu4743Phe)

Gene: KMT2D (lysine methyltransferase 2D; minus strand). Cytogenetic location: 12q13.12.
Variant type: single nucleotide variant.
Coding change: c.14227C>T on transcript NM_003482.4 (MANE Select); coding-DNA position 14227, C replaced by T.
Protein change: p.Leu4743Phe; replaces leucine 4743 with phenylalanine.
Molecular consequence: missense variant.
Genome position (GRCh38, 1-based): chr12:49,029,085, G>A on the plus strand (C>T on the coding strand, the complement: KMT2D is on the minus strand). VCF-style: chr12-49029085-G-A. GRCh37 (hg19) VCF-style: chr12-49422868-G-A.
Other names: short protein forms L4743F.
Identifiers: ClinVar variation 4985177 (VCV004985177.1).

ClinVar aggregate classification (germline): Uncertain significance (1 of 4 stars; one submission).

Conditions:
KMT2D-related disorder. Also called: KMT2D-Related Disorders.

Submission:

PreventionGenetics, part of Exact Sciences
Classification: Uncertain significance for KMT2D-related condition. Last evaluated: 2025-10-17. Review status: criteria provided, single submitter. Criteria: ACMG Guidelines, 2015. Collection method: clinical testing. Allele origin: germline.
Comment: The KMT2D c.14227C>T variant is predicted to result in the amino acid substitution p.Leu4743Phe. To our knowledge, this variant has not been reported in the literature or in a large population database (gnomAD), indicating this variant is rare. At this time, the clinical significance of this variant is uncertain due to the absence of conclusive functional and genetic evidence.